The following is an entry in ClinVar:

NM_000321.3(RB1):c.430G>A (p.Val144Ile)

Gene: RB1 (RB transcriptional corepressor 1; plus strand). Cytogenetic location: 13q14.2.
Variant type: single nucleotide variant.
Coding change: c.430G>A on transcript NM_000321.3 (MANE Select); coding-DNA position 430, G replaced by A.
Protein change: p.Val144Ile; replaces valine 144 with isoleucine.
Molecular consequence: missense variant.
Genome position (GRCh38, 1-based): chr13:48,345,129, G>A. VCF-style: chr13-48345129-G-A. GRCh37 (hg19) VCF-style: chr13-48919265-G-A.
Other names: c.430G>A, p.Val144Ile (NM_001407165.1, NM_001407166.1); short protein forms V144I.
Identifiers: ClinVar variation 3657343 (VCV003657343.3).

ClinVar aggregate classification (germline): Uncertain significance. Review status: criteria provided, multiple submitters, no conflicts (2 of 4 stars). 2 submissions from 2 submitters: Uncertain significance (2). Last evaluated 2026-07-02.

Conditions:
Retinoblastoma (RB1). Also called: RETINOBLASTOMA, SOMATIC. Identifiers: Orphanet 790, MedGen C0035335, MeSH D012175, MONDO:0008380, OMIM 180200, HP:0009919. Disease mechanism: loss of function. Inheritance: Both sporadic and heritable forms are tested..
Hereditary cancer-predisposing syndrome. Also called: Tumor predisposition; Hereditary neoplastic syndrome; Hereditary Cancer Syndrome; Neoplastic Syndromes, Hereditary. Identifiers: Orphanet 140162, MedGen C0027672, MeSH D009386, MONDO:0015356.

Submissions (2):

Ambry Genetics
Classification: Uncertain significance for Hereditary cancer-predisposing syndrome. Last evaluated: 2026-07-02. Review status: criteria provided, single submitter. Criteria: Ambry Variant Classification Scheme 2023. Collection method: clinical testing. Allele origin: germline.
Comment: The p.V144I variant (also known as c.430G>A), located in coding exon 4 of the RB1 gene, results from a G to A substitution at nucleotide position 430. The valine at codon 144 is replaced by isoleucine, an amino acid with highly similar properties. This amino acid position is conserved. In addition, this alteration is predicted to be tolerated by in silico analysis. Based on the available evidence, the clinical significance of this variant remains unclear.

Labcorp Genetics (formerly Invitae), Labcorp
Classification: Uncertain significance for Retinoblastoma. Last evaluated: 2024-06-22. Review status: criteria provided, single submitter. Criteria: Invitae Variant Classification Sherloc (09022015). Collection method: clinical testing. Allele origin: germline.
Comment: This sequence change replaces valine, which is neutral and non-polar, with isoleucine, which is neutral and non-polar, at codon 144 of the RB1 protein (p.Val144Ile). This variant is not present in population databases (gnomAD no frequency). This variant has not been reported in the literature in individuals affected with RB1-related conditions. Advanced modeling of protein sequence and biophysical properties (such as structural, functional, and spatial information, amino acid conservation, physicochemical variation, residue mobility, and thermodynamic stability) has been performed at Invitae for this missense variant, however the output from this modeling did not meet the statistical confidence thresholds required to predict the impact of this variant on RB1 protein function. In summary, the available evidence is currently insufficient to determine the role of this variant in disease. Therefore, it has been classified as a Variant of Uncertain Significance.